The following is an entry in ClinVar:

ClinVar aggregate classification (germline): Uncertain significance. Review status: criteria provided, multiple submitters, no conflicts (2 of 4 stars). 3 submissions from 3 submitters: Uncertain significance (3). Last evaluated 2024-02-09.

Conditions:
Primary ciliary dyskinesia. Also called: Ciliary dyskinesia. Identifiers: Orphanet 244, MedGen C0008780, MONDO:0016575, HP:0012265.
Kartagener syndrome (CILD1). Also called: IMMOTILE CILIA SYNDROME; CILIARY DYSKINESIA, PRIMARY, 1; CILIARY DYSKINESIA, PRIMARY, 1, WITH OR WITHOUT SITUS INVERSUS; POLYNESIAN BRONCHIECTASIS; Dextrocardia bronchiectasis and sinusitis; SIEWERT SYNDROME. Identifiers: Orphanet 244, MedGen C4551906, MONDO:0009484, OMIM 244400.

Allele frequency attached by ClinVar (database versions not stated): gnomAD exomes below 0.00001; TOPMed 0.00002.
gnomAD v4.1: 6 of 1,614,168 alleles (0.00037%); highest among the groups gnomAD compares: Admixed American, 0.0067%; no homozygotes.

Submissions (3):

Ambry Genetics
Classification: Uncertain significance for Primary ciliary dyskinesia. Last evaluated: 2024-02-09. Review status: criteria provided, single submitter. Criteria: Ambry Variant Classification Scheme 2023. Collection method: clinical testing. Allele origin: germline.
Comment: The p.P575L variant (also known as c.1724C>T), located in coding exon 18 of the DNAI1 gene, results from a C to T substitution at nucleotide position 1724. The proline at codon 575 is replaced by leucine, an amino acid with similar properties. This amino acid position is conserved. In addition, this alteration is predicted to be deleterious by in silico analysis. Since supporting evidence is limited at this time, the clinical significance of this alteration remains unclear.

Victorian Clinical Genetics Services, Murdoch Childrens Research Institute
Classification: Uncertain significance for Kartagener syndrome. Last evaluated: 2022-02-02. Review status: criteria provided, single submitter. Criteria: ACMG Guidelines, 2015. Collection method: clinical testing. Allele origin: germline. Inheritance: Autosomal recessive inheritance. Affected: yes.
Comment: Based on the classification scheme VCGS_Germline_v1.3.4, this variant is classified as VUS-3A. Following criteria are met: 0102 - Loss of function is a known mechanism of disease in this gene and is associated with primary ciliary dyskinesia, with or without situs inversus (MIM#244400). (I) 0106 - This gene is associated with autosomal recessive disease. (I) 0200 - Variant is predicted to result in a missense amino acid change from proline to a leucine. (I) 0251 - This variant is heterozygous. (I) 0304 - Variant is present in gnomAD <0.01 for a recessive condition (v2: 4 heterozygotes, 0 homozygotes). (SP) 0502 - Missense variant with conflicting in silico predictions and uninformative conservation. (I) 0600 - Variant is located in the annotated WD40 repeat (NCBI domain). (I) 0705 - No comparable missense variants have previous evidence for pathogenicity. (I) 0807 - This variant has no previous evidence of pathogenicity. (I) 0905 - No published segregation evidence has been identified for this variant. (I) 1007 - No published functional evidence has been identified for this variant. (I) 1201 - Heterozygous variant detected in trans with a second pathogenic heterozygous variant (NM_012144.3(DNAI1):c.1222G>A; p.(Val408Met)) in a recessive disease. (I) Legend: (SP) - Supporting pathogenic, (I) - Information, (SB) - Supporting benign

Labcorp Genetics (formerly Invitae), Labcorp
Classification: Uncertain significance for Primary ciliary dyskinesia. Last evaluated: 2022-01-14. Review status: criteria provided, single submitter. Criteria: Invitae Variant Classification Sherloc (09022015). Collection method: clinical testing. Allele origin: germline.
Comment: This sequence change replaces proline, which is neutral and non-polar, with leucine, which is neutral and non-polar, at codon 575 of the DNAI1 protein (p.Pro575Leu). This variant is present in population databases (no rsID available, gnomAD 0.009%). This variant has not been reported in the literature in individuals affected with DNAI1-related conditions. Algorithms developed to predict the effect of missense changes on protein structure and function are either unavailable or do not agree on the potential impact of this missense change (SIFT: "Deleterious"; PolyPhen-2: "Probably Damaging"; Align-GVGD: "Class C0"). In summary, the available evidence is currently insufficient to determine the role of this variant in disease. Therefore, it has been classified as a Variant of Uncertain Significance.

NM_012144.4(DNAI1):c.1724C>T (p.Pro575Leu)

Gene: DNAI1 (dynein axonemal intermediate chain 1; plus strand). Cytogenetic location: 9p13.3.
Variant type: single nucleotide variant.
Coding change: c.1724C>T on transcript NM_012144.4 (MANE Select); coding-DNA position 1724, C replaced by T.
Protein change: p.Pro575Leu; replaces proline 575 with leucine.
Molecular consequence: missense variant.
Genome position (GRCh38, 1-based): chr9:34,514,645, C>T. VCF-style: chr9-34514645-C-T. GRCh37 (hg19) VCF-style: chr9-34514643-C-T.
Other names: c.1736C>T, p.Pro579Leu (NM_001281428.2); short protein forms P579L, P575L.
Identifiers: ClinVar variation 1778831 (VCV001778831.5), dbSNP rs921726236, ClinGen allele CA192651799.